The following is an entry in ClinVar:

ClinVar aggregate classification (germline): Uncertain significance (1 of 4 stars; one submission).

gnomAD v4.1: 13 of 1,612,824 alleles (0.00081%); highest among the groups gnomAD compares: Middle Eastern, 0.017%; no homozygotes.

Submission:

GeneDx
Classification: Uncertain significance. Last evaluated: 2024-01-26. Review status: criteria provided, single submitter. Criteria: GeneDx Variant Classification Process June 2021. Collection method: clinical testing. Allele origin: germline. Affected: yes.
Comment: Not observed at significant frequency in large population cohorts (gnomAD); In silico analysis supports that this missense variant has a deleterious effect on protein structure/function; Has not been previously published as pathogenic or benign to our knowledge

NM_018897.3(DNAH7):c.6617G>A (p.Arg2206His)

Gene: DNAH7 (dynein axonemal heavy chain 7; minus strand). Cytogenetic location: 2q32.3.
Variant type: single nucleotide variant.
Coding change: c.6617G>A on transcript NM_018897.3 (MANE Select); coding-DNA position 6617, G replaced by A.
Protein change: p.Arg2206His; replaces arginine 2206 with histidine.
Molecular consequence: missense variant.
Genome position (GRCh38, 1-based): chr2:195,872,266, C>T on the plus strand (G>A on the coding strand, the complement: DNAH7 is on the minus strand). VCF-style: chr2-195872266-C-T. GRCh37 (hg19) VCF-style: chr2-196736990-C-T.
Other names: short protein forms R2206H.
Identifiers: ClinVar variation 3368345 (VCV003368345.1).